The following is an entry in ClinVar:

NM_016729.3(FOLR1):c.118G>A (p.Ala40Thr)

Genes: FOLR1-AS1 (FOLR1 antisense RNA 1; minus strand), FOLR1 (folate receptor alpha; plus strand). Cytogenetic location: 11q13.4.
Variant type: single nucleotide variant.
Coding change: c.118G>A on transcript NM_016729.3 (MANE Select); coding-DNA position 118, G replaced by A.
Protein change: p.Ala40Thr; replaces alanine 40 with threonine.
Molecular consequence: missense variant.
Genome position (GRCh38, 1-based): chr11:72,192,291, G>A. VCF-style: chr11-72192291-G-A. GRCh37 (hg19) VCF-style: chr11-71903335-G-A.
Other names: c.118G>A, p.Ala40Thr (NM_000802.3, NM_016724.3, NM_016725.3); short protein forms A40T.
Identifiers: ClinVar variation 589340 (VCV000589340.49), dbSNP rs766928917, ClinGen allele CA6169111.

ClinVar aggregate classification (germline): Uncertain significance. Review status: criteria provided, multiple submitters, no conflicts (2 of 4 stars). 2 submissions from 2 submitters: Uncertain significance (2). Last evaluated 2022-07-12.

Conditions:
Inborn genetic diseases. Identifiers: MedGen C0950123, MeSH D030342.
Cerebral folate transport deficiency. Also called: NEURODEGENERATION DUE TO CEREBRAL FOLATE TRANSPORT DEFICIENCY; FOLATE RECEPTOR DEFICIENCY; FOLR1-Related Cerebral Folate Transport Deficiency; Neurodegenerative syndrome due to cerebral folate transport deficiency; Cerebral folate deficiency syndrome. Identifiers: Orphanet 217382, MedGen C2751584, MONDO:0013110, OMIM 613068. Disease mechanism: loss of function.

Allele frequency attached by ClinVar (database versions not stated): gnomAD 0.00001; gnomAD exomes 0.00001; TOPMed 0.00001; ExAC 0.00002.
gnomAD v4.1: 23 of 1,614,102 alleles (0.0014%); highest among the groups gnomAD compares: Middle Eastern, 0.05%; no homozygotes.

Submissions (2):

Labcorp Genetics (formerly Invitae), Labcorp
Classification: Uncertain significance for Cerebral folate transport deficiency. Last evaluated: 2022-07-12. Review status: criteria provided, single submitter. Criteria: Invitae Variant Classification Sherloc (09022015). Collection method: clinical testing. Allele origin: germline.
Comment: This sequence change replaces alanine, which is neutral and non-polar, with threonine, which is neutral and polar, at codon 40 of the FOLR1 protein (p.Ala40Thr). This variant is present in population databases (rs766928917, gnomAD no frequency). This variant has not been reported in the literature in individuals affected with FOLR1-related conditions. ClinVar contains an entry for this variant (Variation ID: 589340). Algorithms developed to predict the effect of missense changes on protein structure and function are either unavailable or do not agree on the potential impact of this missense change (SIFT: "Deleterious"; PolyPhen-2: "Possibly Damaging"; Align-GVGD: "Class C0"). In summary, the available evidence is currently insufficient to determine the role of this variant in disease. Therefore, it has been classified as a Variant of Uncertain Significance.

Ambry Genetics
Classification: Uncertain significance for Inborn genetic diseases. Last evaluated: 2021-12-16. Review status: criteria provided, single submitter. Criteria: Ambry Variant Classification Scheme 2023. Collection method: clinical testing. Allele origin: germline.